The following is an entry in ClinVar:

NM_004187.5(KDM5C):c.4187G>A (p.Arg1396Gln)

Gene: KDM5C (lysine demethylase 5C; minus strand). Cytogenetic location: Xp11.22.
Variant type: single nucleotide variant.
Coding change: c.4187G>A on transcript NM_004187.5 (MANE Select); coding-DNA position 4187, G replaced by A.
Protein change: p.Arg1396Gln; replaces arginine 1396 with glutamine.
Molecular consequence: missense variant. On other transcripts: non-coding transcript variant (3).
Genome position (GRCh38, 1-based): chrX:53,193,567, C>T on the plus strand (G>A on the coding strand, the complement: KDM5C is on the minus strand). VCF-style: chrX-53193567-C-T. GRCh37 (hg19) VCF-style: chrX-53222749-C-T.
Other names: c.3977G>A, p.Arg1326Gln (NM_001146702.2); c.4184G>A, p.Arg1395Gln (NM_001282622.3, NM_001353979.2); c.4178G>A, p.Arg1393Gln (NM_001353978.3, NM_001353981.2, NM_001353984.2); c.4175G>A, p.Arg1392Gln (NM_001353982.2); short protein forms R1326Q, R1392Q, R1393Q, R1395Q, R1396Q.
Identifiers: ClinVar variation 3371154 (VCV003371154.1).

ClinVar aggregate classification (germline): Uncertain significance (1 of 4 stars; one submission).

gnomAD v4.1: 2 of 1,211,855 alleles (0.00017%); highest among the groups gnomAD compares: Non-Finnish European, 0.00022%; no homozygotes.

Submission:

GeneDx
Classification: Uncertain significance. Last evaluated: 2024-04-01. Review status: criteria provided, single submitter. Criteria: GeneDx Variant Classification Process June 2021. Collection method: clinical testing. Allele origin: germline. Affected: yes.
Comment: Not observed at significant frequency in large population cohorts (gnomAD); In silico analysis supports that this missense variant does not alter protein structure/function; Has not been previously published as pathogenic or benign to our knowledge